The following is an entry in ClinVar:

NM_001009944.3(PKD1):c.7457C>G (p.Ala2486Gly)

Gene: PKD1 (polycystin 1, transient receptor potential channel interacting; minus strand). Cytogenetic location: 16p13.3.
Variant type: single nucleotide variant.
Coding change: c.7457C>G on transcript NM_001009944.3 (MANE Select); coding-DNA position 7457, C replaced by G.
Protein change: p.Ala2486Gly; replaces alanine 2486 with glycine.
Molecular consequence: missense variant.
Genome position (GRCh38, 1-based): chr16:2,106,430, G>C on the plus strand (C>G on the coding strand, the complement: PKD1 is on the minus strand). VCF-style: chr16-2106430-G-C. GRCh37 (hg19) VCF-style: chr16-2156431-G-C.
Other names: c.7457C>G, p.Ala2486Gly (NM_000296.4); short protein forms A2486G.
Identifiers: ClinVar variation 2384957 (VCV002384957.4), dbSNP rs547751652, ClinGen allele CA7831125.

ClinVar aggregate classification (germline): Conflicting classifications of pathogenicity. Review status: criteria provided, conflicting classifications (1 of 4 stars). 2 submissions from 2 submitters: Uncertain significance (1); Likely benign (1). Last evaluated 2025-01-22.

Conditions:
Inborn genetic diseases. Identifiers: MedGen C0950123, MeSH D030342.

gnomAD v4.1: 46 of 1,588,646 alleles (0.0029%); highest among the groups gnomAD compares: Non-Finnish European, 0.0039%; no homozygotes.

Submissions (2):

GeneDx
Classification: Likely benign. Last evaluated: 2025-01-22. Review status: criteria provided, single submitter. Criteria: GeneDx Variant Classification Process June 2021. Collection method: clinical testing. Allele origin: germline. Affected: yes.
Comment: See Variant Classification Assertion Criteria.

Ambry Genetics
Classification: Uncertain significance for Inborn genetic diseases. Last evaluated: 2021-08-12. Review status: criteria provided, single submitter. Criteria: Ambry Variant Classification Scheme 2023. Collection method: clinical testing. Allele origin: germline.